The following is an entry in ClinVar:

NM_000053.4(ATP7B):c.437A>G (p.Lys146Arg)

Gene: ATP7B (ATPase copper transporting beta; minus strand). Cytogenetic location: 13q14.3.
Variant type: single nucleotide variant.
Coding change: c.437A>G on transcript NM_000053.4 (MANE Select); coding-DNA position 437, A replaced by G.
Protein change: p.Lys146Arg; replaces lysine 146 with arginine.
Molecular consequence: missense variant.
Genome position (GRCh38, 1-based): chr13:51,974,783, T>C on the plus strand (A>G on the coding strand, the complement: ATP7B is on the minus strand). VCF-style: chr13-51974783-T-C. GRCh37 (hg19) VCF-style: chr13-52548919-T-C.
Other names: c.437A>G, p.Lys146Arg (NM_001005918.3, NM_001243182.2, NM_001330578.2 and 30 more transcripts); c.341A>G, p.Lys114Arg (NM_001406517.1, NM_001406518.1, NM_001406530.1 and 4 more transcripts); short protein forms K114R, K146R.
Identifiers: ClinVar variation 2140467 (VCV002140467.3), dbSNP rs762773504, ClinGen allele CA6989564.

ClinVar aggregate classification (germline): Uncertain significance. Review status: criteria provided, multiple submitters, no conflicts (2 of 4 stars). 3 submissions from 3 submitters: Uncertain significance (3). Last evaluated 2025-06-04.

Conditions:
Wilson disease (WND). Also called: Wilson's disease. Identifiers: Orphanet 905, MedGen C0019202, MONDO:0010200, OMIM 277900. Disease mechanism: loss of function.

Allele frequency attached by ClinVar (database versions not stated): gnomAD 0.00001; ExAC 0.00002; gnomAD exomes 0.00002.
gnomAD v4.1: 27 of 1,614,062 alleles (0.0017%); highest among the groups gnomAD compares: Middle Eastern, 0.016%; no homozygotes.

Submissions (3):

ARUP Laboratories, Molecular Genetics and Genomics, ARUP Laboratories
Classification: Uncertain significance for Wilson disease. Last evaluated: 2025-06-04. Review status: criteria provided, single submitter. Criteria: ARUP Molecular Germline Variant Investigation Process 2024. Collection method: clinical testing. Allele origin: germline.
Comment: The ATP7B c.437A>G; p.Lys146Arg variant (rs762773504), to our knowledge, is not reported in the medical literature but is reported in ClinVar (Variation ID: 2140467). This variant is found in the general population with an overall allele frequency of 0.003% (8/249,290 alleles) in the Genome Aggregation Database (v2.1.1). Computational analyses are uncertain whether this variant is neutral or deleterious (REVEL: 0.26). Due to limited information, the clinical significance of this variant is uncertain at this time.

Color Diagnostics, LLC DBA Color Health
Classification: Uncertain significance for Wilson disease. Last evaluated: 2024-01-26. Review status: criteria provided, single submitter. Criteria: ACMG Guidelines, 2015. Collection method: clinical testing. Allele origin: germline.
Comment: This missense variant replaces lysine with arginine at codon 146 of the ATP7B protein. Computational prediction suggests that this variant may not impact protein structure and function. To our knowledge, functional studies have not been reported for this variant. This variant has not been reported in individuals affected with ATP7B-related disoders in the literature. This variant has been identified in 8/249290 chromosomes in the general population by the Genome Aggregation Database (gnomAD). The available evidence is insufficient to determine the role of this variant in disease conclusively. Therefore, this variant is classified as a Variant of Uncertain Significance.

Labcorp Genetics (formerly Invitae), Labcorp
Classification: Uncertain significance for Wilson disease. Last evaluated: 2022-09-19. Review status: criteria provided, single submitter. Criteria: Invitae Variant Classification Sherloc (09022015). Collection method: clinical testing. Allele origin: germline.
Comment: This sequence change replaces lysine, which is basic and polar, with arginine, which is basic and polar, at codon 146 of the ATP7B protein (p.Lys146Arg). This variant is present in population databases (rs762773504, gnomAD 0.009%). This variant has not been reported in the literature in individuals affected with ATP7B-related conditions. Advanced modeling of protein sequence and biophysical properties (such as structural, functional, and spatial information, amino acid conservation, physicochemical variation, residue mobility, and thermodynamic stability) performed at Invitae indicates that this missense variant is not expected to disrupt ATP7B protein function. In summary, the available evidence is currently insufficient to determine the role of this variant in disease. Therefore, it has been classified as a Variant of Uncertain Significance.